The following is an entry in ClinVar:

ClinVar aggregate classification (germline): Uncertain significance (1 of 4 stars; one submission).

Conditions:
PLXNA1-related disorder. Also called: PLXNA1-related condition.

Submission:

PreventionGenetics, part of Exact Sciences
Classification: Uncertain significance for PLXNA1-related condition. Last evaluated: 2026-06-11. Review status: criteria provided, single submitter. Criteria: ACMG Guidelines, 2015. Collection method: clinical testing. Allele origin: germline.
Comment: The PLXNA1 c.4660A>G variant is predicted to result in the amino acid substitution p.Met1554Val. To our knowledge, this variant has not been reported in the literature or in a large population database (gnomAD), indicating this variant is rare. At this time, the clinical significance of this variant is uncertain due to the absence of conclusive functional and genetic evidence.

NM_032242.4(PLXNA1):c.4660A>G (p.Met1554Val)

Gene: PLXNA1 (plexin A1; plus strand). Cytogenetic location: 3q21.3.
Variant type: single nucleotide variant.
Coding change: c.4660A>G on transcript NM_032242.4 (MANE Select); coding-DNA position 4660, A replaced by G.
Protein change: p.Met1554Val; replaces methionine 1554 with valine.
Molecular consequence: missense variant.
Genome position (GRCh38, 1-based): chr3:127,028,331, A>G. VCF-style: chr3-127028331-A-G. GRCh37 (hg19) VCF-style: chr3-126747174-A-G.
Other names: short protein forms M1554V.
Identifiers: ClinVar variation 4983218 (VCV004983218.1).
Genomic context (GRCh38, chr3:127,028,331, plus strand): 5'-AAGCTGCTGGACGCTGCCTACAAGGGCGTGCCCTACTCCCAGCGGCCCAAGGCCGCGGAC[A>G]TGGACCTGGGTGAGCGGGCGGGGCCACGGCTGCCCGGGGTGTGTGCTGGAGCAGAGGGGC-3'
Protein context (NP_115618.3, residues 1544-1564): PYSQRPKAAD[Met1554Val]DLEWRQGRMA